The following is an entry in ClinVar:

ClinVar aggregate classification (germline): Pathogenic/Likely pathogenic. Review status: criteria provided, multiple submitters, no conflicts (2 of 4 stars). 3 submissions from 3 submitters: Pathogenic (1); Likely pathogenic (1). 1 of the submissions does not count toward it. Last evaluated 2022-06-17.

Conditions:
Hyperkalemic periodic paralysis. Also called: Gamstorp disease; Familial hyperkalemic periodic paralysis. Identifiers: Orphanet 682, MedGen C0238357, MONDO:0008224, OMIM 170500, HP:0007215.

Allele frequency attached by ClinVar (database versions not stated): gnomAD exomes below 0.00001.

Submissions (3):

Labcorp Genetics (formerly Invitae), Labcorp
Classification: Pathogenic for Hyperkalemic periodic paralysis. Last evaluated: 2022-06-17. Review status: criteria provided, single submitter. Criteria: Invitae Variant Classification Sherloc (09022015). Collection method: clinical testing. Allele origin: germline.
Comment: ClinVar contains an entry for this variant (Variation ID: 21157). Algorithms developed to predict the effect of missense changes on protein structure and function are either unavailable or do not agree on the potential impact of this missense change (SIFT: "Deleterious"; PolyPhen-2: "Probably Damaging"; Align-GVGD: "Class C15"). This variant is present in population databases (rs80338960, gnomAD 0.006%). This missense change has been observed in individuals with hyperkalemic periodic paralysis, paramyotonia congenita, and/or sodium channel myotonia (PMID: 11757950, 32660787). It has also been observed to segregate with disease in related individuals. This sequence change replaces methionine, which is neutral and non-polar, with valine, which is neutral and non-polar, at codon 1370 of the SCN4A protein (p.Met1370Val). For these reasons, this variant has been classified as Pathogenic.

Athena Diagnostics
Classification: Likely pathogenic. Last evaluated: 2019-05-24. Review status: criteria provided, single submitter. Criteria: Athena Diagnostics Criteria. Collection method: clinical testing. Allele origin: germline.
Comment: The best available variant frequency is uninformative because there are too few occurrences in population data. Found in at least one symptomatic patient. Predicted to have a damaging effect on the protein. Moderate co-segregation with disease in affected and unaffected individuals, but from a single family.

GeneReviews
No classification provided. Condition: Hyperkalemic periodic paralysis. Review status: no classification provided. Collection method: literature only. Allele origin: germline. Not counted in ClinVar's aggregate classification.

Literature cited by the submitters: PubMed 11757950 (cited by 3 submitters); PubMed 32660787 (cited by Labcorp Genetics (formerly Invitae), Labcorp); NCBI Bookshelf NBK1496 (cited by GeneReviews).

NM_000334.4(SCN4A):c.4108A>G (p.Met1370Val)

Genes: GH-LCR (growth hormone locus control region; plus strand), SCN4A (sodium voltage-gated channel alpha subunit 4; minus strand). Cytogenetic location: 17q23.3.
Variant type: single nucleotide variant.
Coding change: c.4108A>G on transcript NM_000334.4 (MANE Select); coding-DNA position 4108, A replaced by G.
Protein change: p.Met1370Val; replaces methionine 1370 with valine.
Molecular consequence: missense variant.
Genome position (GRCh38, 1-based): chr17:63,943,006, T>C on the plus strand (A>G on the coding strand, the complement: SCN4A is on the minus strand). VCF-style: chr17-63943006-T-C. GRCh37 (hg19) VCF-style: chr17-62020366-T-C.
Other names: short protein forms M1370V.
Identifiers: ClinVar variation 21157 (VCV000021157.14), dbSNP rs80338960, ClinGen allele CA341673.
Genomic context (GRCh38, chr17:63,943,006, plus strand): 5'-TGTTGATGTTGTACAGGATGTCCACCTTGAGCTGGCTCTGGTTGTCTGTCTCCACCATCA[T>C]GGTGACCATGTTGAGGCAGATGAGGATCATGATGGTGATGTCGAAGGCCTGCTTCGTCAC-3'
Protein context (NP_000325.4, residues 1360-1380): MILICLNMVT[Met1370Val]MVETDNQSQL